The following is an entry in ClinVar:

NM_198576.4(AGRN):c.2219G>A (p.Arg740Gln)

Gene: AGRN (agrin; plus strand). Cytogenetic location: 1p36.33.
Variant type: single nucleotide variant.
Coding change: c.2219G>A on transcript NM_198576.4 (MANE Select); coding-DNA position 2219, G replaced by A.
Protein change: p.Arg740Gln; replaces arginine 740 with glutamine.
Molecular consequence: missense variant.
Genome position (GRCh38, 1-based): chr1:1,044,404, G>A. VCF-style: chr1-1044404-G-A. GRCh37 (hg19) VCF-style: chr1-979784-G-A.
Other names: c.2219G>A, p.Arg740Gln (NM_001305275.2); c.1904G>A, p.Arg635Gln (NM_001364727.2); short protein forms R740Q, R635Q.
Identifiers: ClinVar variation 649242 (VCV000649242.8), dbSNP rs146863919, ClinGen allele CA508517.

ClinVar aggregate classification (germline): Conflicting classifications of pathogenicity. Review status: criteria provided, conflicting classifications (1 of 4 stars). 2 submissions from 2 submitters: Uncertain significance (1); Likely benign (1). Last evaluated 2024-08-05.

Conditions:
Inborn genetic diseases. Identifiers: MedGen C0950123, MeSH D030342.
Congenital myasthenic syndrome 8. Also called: MYASTHENIC SYNDROME, CONGENITAL, DUE TO AGRIN DEFICIENCY; Myasthenic syndrome, congenital, 8, with pre- and postsynaptic defects. Identifiers: Orphanet 590, MedGen C3808739, MONDO:0014052, OMIM 615120.

Allele frequency attached by ClinVar (database versions not stated): gnomAD 0.00006 and 0.00025; ESP Exome Variant Server 0.00008; TOPMed 0.00010; 1000 Genomes Project 30x 0.00016; gnomAD exomes 0.00016 and 0.00024; 1000 Genomes Project 0.00020; ExAC 0.00026.
gnomAD v4.1: 271 of 1,612,260 alleles (0.017%); highest among the groups gnomAD compares: Middle Eastern, 0.18%; 5 homozygotes.

Submissions (2):

Labcorp Genetics (formerly Invitae), Labcorp
Classification: Uncertain significance for Congenital myasthenic syndrome 8. Last evaluated: 2024-08-05. Review status: criteria provided, single submitter. Criteria: Invitae Variant Classification Sherloc (09022015). Collection method: clinical testing. Allele origin: germline.
Comment: This sequence change replaces arginine, which is basic and polar, with glutamine, which is neutral and polar, at codon 740 of the AGRN protein (p.Arg740Gln). This variant is present in population databases (rs146863919, gnomAD 0.1%). This variant has not been reported in the literature in individuals affected with AGRN-related conditions. ClinVar contains an entry for this variant (Variation ID: 649242). An algorithm developed to predict the effect of missense changes on protein structure and function outputs the following: PolyPhen-2: "Possibly Damaging". The glutamine amino acid residue is found in multiple mammalian species, which suggests that this missense change does not adversely affect protein function. In summary, the available evidence is currently insufficient to determine the role of this variant in disease. Therefore, it has been classified as a Variant of Uncertain Significance.

Ambry Genetics
Classification: Likely benign for Inborn genetic diseases. Last evaluated: 2023-05-18. Review status: criteria provided, single submitter. Criteria: Ambry Variant Classification Scheme 2023. Collection method: clinical testing. Allele origin: germline.